The following is an entry in ClinVar:

NC_000012.11:g.(?_133225509)_(133256814_?)dup

Gene: POLE (DNA polymerase epsilon, catalytic subunit; minus strand). Cytogenetic location: 12q24.33.
Variant type: Duplication.
Identifiers: ClinVar variation 540887 (VCV000540887.7).

ClinVar aggregate classification (germline): Uncertain significance (1 of 4 stars; one submission).

Submission:

Labcorp Genetics (formerly Invitae), Labcorp
Classification: Uncertain significance. Last evaluated: 2017-12-28. Review status: criteria provided, single submitter. Criteria: Invitae Variant Classification Sherloc (09022015). Collection method: clinical testing. Allele origin: germline.
Comment: In summary, the available evidence is currently insufficient to determine the role of this variant in disease. Therefore, it has been classified as a Variant of Uncertain Significance. Experimental studies and prediction algorithms are not available for this variant, and the functional significance of the duplicated amino acids is currently unknown. This variant has not been reported in the literature in individuals with POLE-related disease. This variant is a gross duplication of the genomic region encompassing exons 4-32 of the POLE gene. While the exact position of the duplicated exons cannot be determined from this data, sub-genic duplications are generally in tandem (PMID: 25640679). This duplication would be expected to be in-frame, preserving the integrity of the reading frame.

Literature cited by the submitters: PubMed 25640679.